The following is an entry in ClinVar:

NM_000152.5(GAA):c.1030_1031del (p.Gly344fs)

Gene: GAA (alpha glucosidase; plus strand). Cytogenetic location: 17q25.3.
Variant type: Deletion.
Coding change: c.1030_1031del on transcript NM_000152.5 (MANE Select); coding-DNA positions 1030 to 1031, 2 bases deleted (GG; older notation c.1030_1031delGG).
Protein change: p.Gly344fs; shifts the reading frame from glycine 344.
Molecular consequence: frameshift variant.
Genome position (GRCh38, 1-based): chr17:80,108,364-80,108,365, GG deleted; deleting any 2 consecutive bases within chr17:80,108,363-80,108,365 gives the same sequence; the c. name uses the placement nearest the transcript's 3' end. VCF-style (leftmost placement, unchanged base first): chr17-80108362-TGG-T. GRCh37 (hg19) VCF-style: chr17-78082161-TGG-T.
Other names: c.1030_1031del, p.Gly344fs (NM_001079803.3, NM_001079804.3); short protein forms G344fs.
Identifiers: ClinVar variation 597147 (VCV000597147.13), dbSNP rs1567829962, ClinGen allele CA913191005.

ClinVar aggregate classification (germline): Likely pathogenic. Review status: reviewed by expert panel (3 of 4 stars). 3 submissions from 3 submitters: Likely pathogenic (1). 2 of the submissions do not count toward it. Last evaluated 2026-04-08.

Conditions:
Glycogen storage disease, type II (IOPD). Also called: Glycogen storage disease type 2; Acid maltase deficiency disease; Aglucosidase alfa; Deficiency of alpha-glucosidase; Deficiency of lysosomal alpha-glucosidase; POMPE DISEASE, INFANTILE-ONSET. Identifiers: Orphanet 365, MedGen C0017921, MONDO:0009290, OMIM 232300.

Submissions (3):

ClinGen Lysosomal Storage Disorder Variant Curation Expert Panel
Classification: Likely pathogenic for Glycogen storage disease, type II. Last evaluated: 2026-04-08. Review status: reviewed by expert panel. Criteria: clingen_lsd_acmg_specifications_v2-1. Collection method: curation. Allele origin: germline. Inheritance: Autosomal recessive inheritance.
Comment: The NM_000152.5:c.1030_1031del (p.Gly344ProfsTer161) variant in GAA is a frameshift variant predicted to cause a premature stop codon in exon 10 out of a total of 20 exons, leading to nonsense mediated decay in a gene in which loss-of-function is an established disease mechanism (PVS1). This variant is not in gnomAD v4.1.0 (PM2_Supporting). To our knowledge, this variant has not been reported in a patient with Pompe disease in the literature, and results of functional studies are not available. There is a ClinVar entry for this variant (Variation ID: 597147). The classification of this variant has been upgraded from Variant of Uncertain Significance to Likely Pathogenic based on the recommendations of the ClinGen Sequence Variant Interpretation Working Group, that a variant meeting PVS1 and PM2_Supporting is classified as Likely Pathogenic. In summary, this variant meets the criteria to be classified as Likely Pathogenic for Pompe disease. GAA-specific ACMG/AMP criteria met, based on the specifications of the ClinGen Lysosomal Diseases VCEP (Specifications Version 2.0.0): PVS1, PM2_Supporting. (Classification approved by the ClinGen Lysosomal Diseases VCEP, April 8, 2026).

Labcorp Genetics (formerly Invitae), Labcorp
Classification: Pathogenic for Glycogen storage disease, type II. Last evaluated: 2023-08-29. Review status: criteria provided, single submitter. Criteria: Invitae Variant Classification Sherloc (09022015). Collection method: clinical testing. Allele origin: germline. Not counted in ClinVar's aggregate classification.
Comment: Algorithms developed to predict the effect of sequence changes on RNA splicing suggest that this variant may disrupt the consensus splice site. ClinVar contains an entry for this variant (Variation ID: 597147). This variant has not been reported in the literature in individuals affected with GAA-related conditions. This variant is not present in population databases (gnomAD no frequency). This sequence change creates a premature translational stop signal (p.Gly344Profs*161) in the GAA gene. It is expected to result in an absent or disrupted protein product. Loss-of-function variants in GAA are known to be pathogenic (PMID: 18425781, 22252923). For these reasons, this variant has been classified as Pathogenic.

Eurofins Ntd Llc (ga)
Classification: Pathogenic. Last evaluated: 2018-05-14. Review status: criteria provided, single submitter. Criteria: EGL ClinVar v180209 classification definitions. Collection method: clinical testing. Allele origin: germline. Observed: 1 variant allele, 1 heterozygote. Not counted in ClinVar's aggregate classification.

Literature cited by the submitters: PubMed 18425781 (cited by Labcorp Genetics (formerly Invitae), Labcorp); PubMed 22252923 (cited by Labcorp Genetics (formerly Invitae), Labcorp).